The following is an entry in ClinVar:

ClinVar aggregate classification (germline): Uncertain significance (1 of 4 stars; one submission).

Conditions:
Early-infantile DEE. Also called: Early infantile epileptic encephalopathy; Early infantile epileptic encephalopathy with suppression bursts; Ohtahara syndrome. Identifiers: Orphanet 1934, MedGen C0393706, MONDO:0800491.

Submission:

Labcorp Genetics (formerly Invitae), Labcorp
Classification: Uncertain significance for Early-infantile DEE. Last evaluated: 2022-08-15. Review status: criteria provided, single submitter. Criteria: Invitae Variant Classification Sherloc (09022015). Collection method: clinical testing. Allele origin: germline.
Comment: Advanced modeling of protein sequence and biophysical properties (such as structural, functional, and spatial information, amino acid conservation, physicochemical variation, residue mobility, and thermodynamic stability) performed at Invitae indicates that this missense variant is expected to disrupt GNAO1 protein function. In summary, the available evidence is currently insufficient to determine the role of this variant in disease. Therefore, it has been classified as a Variant of Uncertain Significance. This variant is not present in population databases (gnomAD no frequency). This sequence change replaces serine, which is neutral and polar, with phenylalanine, which is neutral and non-polar, at codon 264 of the GNAO1 protein (p.Ser264Phe). This variant has not been reported in the literature in individuals affected with GNAO1-related conditions.

NM_020988.3(GNAO1):c.791C>T (p.Ser264Phe)

Gene: GNAO1 (G protein subunit alpha o1; plus strand). Cytogenetic location: 16q13.
Variant type: single nucleotide variant.
Coding change: c.791C>T on transcript NM_020988.3 (MANE Select); coding-DNA position 791, C replaced by T.
Protein change: p.Ser264Phe; replaces serine 264 with phenylalanine.
Molecular consequence: missense variant.
Genome position (GRCh38, 1-based): chr16:56,351,451, C>T. VCF-style: chr16-56351451-C-T. GRCh37 (hg19) VCF-style: chr16-56385363-C-T.
Other names: short protein forms S264F.
Identifiers: ClinVar variation 2099408 (VCV002099408.4), dbSNP rs2543427269, ClinGen allele CA395954739.